The following is an entry in ClinVar:

NM_004415.4(DSP):c.2104A>T (p.Ile702Phe)

Gene: DSP (desmoplakin; plus strand). Cytogenetic location: 6p24.3.
Variant type: single nucleotide variant.
Coding change: c.2104A>T on transcript NM_004415.4 (MANE Select); coding-DNA position 2104, A replaced by T.
Protein change: p.Ile702Phe; replaces isoleucine 702 with phenylalanine.
Molecular consequence: missense variant.
Genome position (GRCh38, 1-based): chr6:7,572,042, A>T. VCF-style: chr6-7572042-A-T. GRCh37 (hg19) VCF-style: chr6-7572275-A-T.
Other names: c.2104A>T, p.Ile702Phe (NM_001008844.3, NM_001319034.2); short protein forms I702F.
Identifiers: ClinVar variation 4870132 (VCV004870132.1).

ClinVar aggregate classification (germline): Uncertain significance (1 of 4 stars; one submission).

Conditions:
Cardiovascular phenotype. Identifiers: MedGen CN230736.

Submission:

Ambry Genetics
Classification: Uncertain significance for Cardiovascular phenotype. Last evaluated: 2026-05-14. Review status: criteria provided, single submitter. Criteria: Ambry Variant Classification Scheme 2023. Collection method: clinical testing. Allele origin: germline.
Comment: The p.I702F variant (also known as c.2104A>T), located in coding exon 15 of the DSP gene, results from an A to T substitution at nucleotide position 2104. The isoleucine at codon 702 is replaced by phenylalanine, an amino acid with highly similar properties. This amino acid position is conserved. In addition, this alteration is predicted to be tolerated by in silico analysis. Based on the available evidence, the clinical significance of this variant remains unclear.